The following is an entry in ClinVar:

NM_004370.6(COL12A1):c.6338C>T (p.Thr2113Ile)

Gene: COL12A1 (collagen type XII alpha 1 chain; minus strand). Cytogenetic location: 6q13.
Variant type: single nucleotide variant.
Coding change: c.6338C>T on transcript NM_004370.6 (MANE Select); coding-DNA position 6338, C replaced by T.
Protein change: p.Thr2113Ile; replaces threonine 2113 with isoleucine.
Molecular consequence: missense variant.
Genome position (GRCh38, 1-based): chr6:75,128,298, G>A on the plus strand (C>T on the coding strand, the complement: COL12A1 is on the minus strand). VCF-style: chr6-75128298-G-A. GRCh37 (hg19) VCF-style: chr6-75838014-G-A.
Other names: c.6338C>T, p.Thr2113Ile (NM_001424113.1); c.6317C>T, p.Thr2106Ile (NM_001424114.1); c.6065C>T, p.Thr2022Ile (NM_001424115.1); c.2846C>T, p.Thr949Ile (NM_001424116.1, NM_080645.3); short protein forms T2106I, T2022I, T2113I, T949I.
Identifiers: ClinVar variation 2922713 (VCV002922713.3), dbSNP rs1234446485, ClinGen allele CA364730243.
Genomic context (GRCh38, chr6:75,128,298, plus strand): 5'-ACATTAACATATTGACAATTTCAAAGCAAAAATAAAAGGGGGAGTACAAAACACTTACCA[G>A]TTCTTCCATTTCCTGTTAGATGGCCACCATCTCCATCTTCATAAACAGCAATAACAGTAA-3'
Protein context (NP_004361.3, residues 2103-2123): DGGHLTGNGR[Thr2113Ile]VGLLPPQNIH

ClinVar aggregate classification (germline): Uncertain significance (1 of 4 stars; one submission).

Conditions:
Ullrich congenital muscular dystrophy 2 (UCMD2). Identifiers: Orphanet 75840, MedGen C4225314, MONDO:0014654, OMIM 616470.
Bethlem myopathy 2 (BTHLM2). Identifiers: Orphanet 536516, Orphanet 610, MedGen C4225313, MONDO:0034022, OMIM 616471.

Allele frequency attached by ClinVar (database versions not stated): TOPMed below 0.00001.

Submission:

Labcorp Genetics (formerly Invitae), Labcorp
Classification: Uncertain significance for Bethlem myopathy 2; Ullrich congenital muscular dystrophy 2. Last evaluated: 2025-12-29. Review status: criteria provided, single submitter. Criteria: Invitae Variant Classification Sherloc (09022015). Collection method: clinical testing. Allele origin: germline.
Comment: This sequence change replaces threonine, which is neutral and polar, with isoleucine, which is neutral and non-polar, at codon 2113 of the COL12A1 protein (p.Thr2113Ile). This variant is not present in population databases (gnomAD no frequency). This variant has not been reported in the literature in individuals affected with COL12A1-related conditions. ClinVar contains an entry for this variant (Variation ID: 2922713). An algorithm developed to predict the effect of missense changes on protein structure and function (PolyPhen-2) suggests that this variant is likely to be disruptive. In summary, the available evidence is currently insufficient to determine the role of this variant in disease. Therefore, it has been classified as a Variant of Uncertain Significance.